The following is an entry in ClinVar:

ClinVar aggregate classification (germline): Uncertain significance (1 of 4 stars; one submission).

gnomAD v4.1: 4 of 1,614,060 alleles (0.00025%); highest among the groups gnomAD compares: Non-Finnish European, 0.000085%; no homozygotes.

Submission:

Ambry Genetics
Classification: Uncertain significance. Last evaluated: 2022-05-09. Review status: criteria provided, single submitter. Criteria: Ambry Variant Classification Scheme 2023. Collection method: clinical testing. Allele origin: germline.
Comment: The p.D59A variant (also known as c.176A>C), located in coding exon 1 of the PALLD gene, results from an A to C substitution at nucleotide position 176. The aspartic acid at codon 59 is replaced by alanine, an amino acid with dissimilar properties. This amino acid position is conserved. In addition, this alteration is predicted to be tolerated by in silico analysis. Since supporting evidence is limited at this time, the clinical significance of this alteration remains unclear.

NM_001166108.2(PALLD):c.176A>C (p.Asp59Ala)

Gene: PALLD (palladin, cytoskeletal associated protein; plus strand). Cytogenetic location: 4q32.3.
Variant type: single nucleotide variant.
Coding change: c.176A>C on transcript NM_001166108.2 (MANE Select); coding-DNA position 176, A replaced by C.
Protein change: p.Asp59Ala; replaces aspartic acid 59 with alanine.
Molecular consequence: missense variant.
Genome position (GRCh38, 1-based): chr4:168,511,680, A>C. VCF-style: chr4-168511680-A-C. GRCh37 (hg19) VCF-style: chr4-169432831-A-C.
Other names: c.176A>C, p.Asp59Ala (NM_016081.4); short protein forms D59A.
Identifiers: ClinVar variation 1779747 (VCV001779747.2), dbSNP rs2531428790, ClinGen allele CA358724942.